The following is an entry in ClinVar:

ClinVar aggregate classification (germline): Uncertain significance. Review status: criteria provided, multiple submitters, no conflicts (2 of 4 stars). 3 submissions from 3 submitters: Uncertain significance (3). Last evaluated 2025-08-12.

Conditions:
Combined immunodeficiency due to STK4 deficiency (IMD110). Also called: STK4 DEFICIENCY; MST1 DEFICIENCY; T-cell immunodeficiency, recurrent infections, and autoimmunity with or without cardiac malformations. Identifiers: Orphanet 314689, MedGen C3553943, MONDO:0013934, OMIM 614868.
Inborn genetic diseases. Identifiers: MedGen C0950123, MeSH D030342.

Allele frequency attached by ClinVar (database versions not stated): gnomAD 0.00001; ExAC 0.00002; gnomAD exomes 0.00002; TOPMed 0.00002; ESP Exome Variant Server 0.00008.
gnomAD v4.1: 26 of 1,613,968 alleles (0.0016%); highest among the groups gnomAD compares: Non-Finnish European, 0.0019%; no homozygotes.

Submissions (3):

Ambry Genetics
Classification: Uncertain significance for Inborn genetic diseases. Last evaluated: 2025-08-12. Review status: criteria provided, single submitter. Criteria: Ambry Variant Classification Scheme 2023. Collection method: clinical testing. Allele origin: germline.

Labcorp Genetics (formerly Invitae), Labcorp
Classification: Uncertain significance for Combined immunodeficiency due to STK4 deficiency. Last evaluated: 2022-04-04. Review status: criteria provided, single submitter. Criteria: Invitae Variant Classification Sherloc (09022015). Collection method: clinical testing. Allele origin: germline.
Comment: This sequence change replaces isoleucine, which is neutral and non-polar, with valine, which is neutral and non-polar, at codon 207 of the STK4 protein (p.Ile207Val). This variant is present in population databases (rs377733474, gnomAD 0.004%). This variant has not been reported in the literature in individuals affected with STK4-related conditions. Advanced modeling of protein sequence and biophysical properties (such as structural, functional, and spatial information, amino acid conservation, physicochemical variation, residue mobility, and thermodynamic stability) performed at Invitae indicates that this missense variant is not expected to disrupt STK4 protein function. In summary, the available evidence is currently insufficient to determine the role of this variant in disease. Therefore, it has been classified as a Variant of Uncertain Significance.

CeGaT Center for Human Genetics Tuebingen
Classification: Uncertain significance. Last evaluated: 2022-03-01. Review status: criteria provided, single submitter. Criteria: CeGaT Center For Human Genetics Tuebingen Variant Classification Criteria Version 2. Collection method: clinical testing. Allele origin: germline. Affected: yes. Observed: 1 variant allele.

NM_006282.5(STK4):c.619A>G (p.Ile207Val)

Gene: STK4 (serine/threonine kinase 4; plus strand). Cytogenetic location: 20q13.12.
Variant type: single nucleotide variant.
Coding change: c.619A>G on transcript NM_006282.5 (MANE Select); coding-DNA position 619, A replaced by G.
Protein change: p.Ile207Val; replaces isoleucine 207 with valine.
Molecular consequence: missense variant.
Genome position (GRCh38, 1-based): chr20:44,995,183, A>G. VCF-style: chr20-44995183-A-G. GRCh37 (hg19) VCF-style: chr20-43623824-A-G.
Other names: c.619A>G (NM_006282.2); c.619A>G, p.Ile207Val (NM_001352385.2); short protein forms I207V.
Identifiers: ClinVar variation 1675856 (VCV001675856.36), dbSNP rs377733474, ClinGen allele CA9873838.